The following is an entry in ClinVar:

NM_015259.6(ICOSLG):c.131G>A (p.Arg44His)

Gene: ICOSLG (inducible T cell costimulator ligand; minus strand). Cytogenetic location: 21q22.3.
Variant type: single nucleotide variant.
Coding change: c.131G>A on transcript NM_015259.6 (MANE Select); coding-DNA position 131, G replaced by A.
Protein change: p.Arg44His; replaces arginine 44 with histidine.
Molecular consequence: missense variant. On other transcripts: intron variant (2).
Genome position (GRCh38, 1-based): chr21:44,237,142, C>T on the plus strand (G>A on the coding strand, the complement: ICOSLG is on the minus strand). VCF-style: chr21-44237142-C-T. GRCh37 (hg19) VCF-style: chr21-45657025-C-T.
Other names: c.131G>A, p.Arg44His (NM_001283050.2); c.50G>A, p.Arg17His (NM_001365759.2); c.55+1306G>A (NM_001283051.2); c.-48-77G>A (NM_001283052.2); short protein forms R17H, R44H.
Identifiers: ClinVar variation 1408073 (VCV001408073.9), dbSNP rs542311532, ClinGen allele CA321498365.

ClinVar aggregate classification (germline): Uncertain significance. Review status: criteria provided, multiple submitters, no conflicts (2 of 4 stars). 2 submissions from 2 submitters: Uncertain significance (2). Last evaluated 2026-01-24.

Allele frequency attached by ClinVar (database versions not stated): ExAC 0.00011; gnomAD exomes 0.00013; 1000 Genomes Project 0.00020.

Submissions (2):

Labcorp Genetics (formerly Invitae), Labcorp
Classification: Uncertain significance. Last evaluated: 2026-01-24. Review status: criteria provided, single submitter. Criteria: Invitae Variant Classification Sherloc (09022015). Collection method: clinical testing. Allele origin: germline.
Comment: This sequence change replaces arginine, which is basic and polar, with histidine, which is basic and polar, at codon 44 of the ICOSLG protein (p.Arg44His). This variant is present in population databases (rs542311532, gnomAD 0.06%), and has an allele count higher than expected for a pathogenic variant. This variant has not been reported in the literature in individuals affected with ICOSLG-related conditions. ClinVar contains an entry for this variant (Variation ID: 1408073). An algorithm developed to predict the effect of missense changes on protein structure and function outputs the following: PolyPhen-2: "Benign". The histidine amino acid residue is found in multiple mammalian species, which suggests that this missense change does not adversely affect protein function. In summary, the available evidence is currently insufficient to determine the role of this variant in disease. Therefore, it has been classified as a Variant of Uncertain Significance.

Breakthrough Genomics
Classification: Uncertain significance. Review status: criteria provided, single submitter. Criteria: ACMG Guidelines, 2015. Collection method: not provided. Allele origin: germline. Inheritance: Autosomal dominant inheritance. Affected: yes.